The following is an entry in ClinVar:

NM_033109.5(PNPT1):c.1121T>C (p.Val374Ala)

Gene: PNPT1 (polyribonucleotide nucleotidyltransferase 1; minus strand). Cytogenetic location: 2p16.1.
Variant type: single nucleotide variant.
Coding change: c.1121T>C on transcript NM_033109.5 (MANE Select); coding-DNA position 1121, T replaced by C.
Protein change: p.Val374Ala; replaces valine 374 with alanine.
Molecular consequence: missense variant.
Genome position (GRCh38, 1-based): chr2:55,667,046, A>G on the plus strand (T>C on the coding strand, the complement: PNPT1 is on the minus strand). VCF-style: chr2-55667046-A-G. GRCh37 (hg19) VCF-style: chr2-55894181-A-G.
Other names: c.1121T>C (NM_033109.3); short protein forms V374A.
Identifiers: ClinVar variation 1031030 (VCV001031030.8), dbSNP rs377657203, ClinGen allele CA1668219.
Genomic context (GRCh38, chr2:55,667,046, plus strand): 5'-ATTACCTGTGTTTGTCCTCTTTGAAATAATGCTGATCCATGAAGGGTTTTAAACATATCT[A>G]CCTCACAACTTACATTCCTAAGTGAAGTCAAATCCCGACCATCGCACCTATAGTGATATA-3'
Protein context (NP_149100.2, residues 364-384): LTSLRNVSCE[Val374Ala]DMFKTLHGSA

ClinVar aggregate classification (germline): Uncertain significance. Review status: criteria provided, multiple submitters, no conflicts (2 of 4 stars). 4 submissions from 4 submitters: Uncertain significance (4). Last evaluated 2025-08-25.

Conditions:
Combined oxidative phosphorylation defect type 13. Also called: Combined oxidative phosphorylation deficiency 13. Identifiers: Orphanet 319514, MedGen C4706283, MONDO:0013977, OMIM 614932.
Inborn genetic diseases. Identifiers: MedGen C0950123, MeSH D030342.
PNPT1-related disorder. Also called: PNPT1-related condition; PNPT1-related disorders.

Allele frequency attached by ClinVar (database versions not stated): gnomAD exomes 0.00002 and 0.00003; ExAC 0.00002; gnomAD 0.00003; TOPMed 0.00002; ESP Exome Variant Server 0.00015.
gnomAD v4.1: 50 of 1,611,688 alleles (0.0031%); highest among the groups gnomAD compares: Non-Finnish European, 0.0042%; no homozygotes.

Submissions (4):

Daryl Scott Lab, Baylor College of Medicine
Classification: Uncertain significance for PNPT1-related disorder. Last evaluated: 2025-08-25. Review status: criteria provided, single submitter. Criteria: ACMG Guidelines, 2015. Collection method: clinical testing. Allele origin: paternal. Affected: yes. Observed: 1 compound heterozygote.
Comment: PM2, PP3

Labcorp Genetics (formerly Invitae), Labcorp
Classification: Uncertain significance. Last evaluated: 2025-08-11. Review status: criteria provided, single submitter. Criteria: Invitae Variant Classification Sherloc (09022015). Collection method: clinical testing. Allele origin: germline.
Comment: This sequence change replaces valine, which is neutral and non-polar, with alanine, which is neutral and non-polar, at codon 374 of the PNPT1 protein (p.Val374Ala). This variant is present in population databases (rs377657203, gnomAD 0.007%). This variant has not been reported in the literature in individuals affected with PNPT1-related conditions. ClinVar contains an entry for this variant (Variation ID: 1031030). Invitae Evidence Modeling of protein sequence and biophysical properties (such as structural, functional, and spatial information, amino acid conservation, physicochemical variation, residue mobility, and thermodynamic stability) indicates that this missense variant is not expected to disrupt PNPT1 protein function with a negative predictive value of 80%. In summary, the available evidence is currently insufficient to determine the role of this variant in disease. Therefore, it has been classified as a Variant of Uncertain Significance.

Ambry Genetics
Classification: Uncertain significance for Inborn genetic diseases. Last evaluated: 2023-05-17. Review status: criteria provided, single submitter. Criteria: Ambry Variant Classification Scheme 2023. Collection method: clinical testing. Allele origin: germline.

Baylor Genetics
Classification: Uncertain significance for Combined oxidative phosphorylation defect type 13. Last evaluated: 2019-10-07. Review status: criteria provided, single submitter. Criteria: ACMG Guidelines, 2015. Collection method: clinical testing. Allele origin: unknown. Affected: yes.
Comment: This variant was determined to be of uncertain significance according to ACMG Guidelines, 2015 [PMID:25741868].